The following is an entry in ClinVar:

ClinVar aggregate classification (germline): Uncertain significance (1 of 4 stars; one submission).

gnomAD v4.1: 40 of 1,613,962 alleles (0.0025%); highest among the groups gnomAD compares: Non-Finnish European, 0.0033%; no homozygotes.

Submission:

Labcorp Genetics (formerly Invitae), Labcorp
Classification: Uncertain significance. Last evaluated: 2025-03-10. Review status: criteria provided, single submitter. Criteria: Invitae Variant Classification Sherloc (09022015). Collection method: clinical testing. Allele origin: germline.
Comment: This sequence change replaces serine, which is neutral and polar, with arginine, which is basic and polar, at codon 33 of the RNF170 protein (p.Ser33Arg). This variant is not present in population databases (gnomAD no frequency). This variant has not been reported in the literature in individuals affected with RNF170-related conditions. An algorithm developed to predict the effect of missense changes on protein structure and function (PolyPhen-2) suggests that this variant is likely to be tolerated. In summary, the available evidence is currently insufficient to determine the role of this variant in disease. Therefore, it has been classified as a Variant of Uncertain Significance.

NM_030954.4(RNF170):c.97A>C (p.Ser33Arg)

Gene: RNF170 (ring finger protein 170; minus strand). Cytogenetic location: 8p11.21.
Variant type: single nucleotide variant.
Coding change: c.97A>C on transcript NM_030954.4 (MANE Select); coding-DNA position 97, A replaced by C.
Protein change: p.Ser33Arg; replaces serine 33 with arginine.
Molecular consequence: missense variant. On other transcripts: non-coding transcript variant (2), intron variant (1).
Genome position (GRCh38, 1-based): chr8:42,887,768, T>G on the plus strand (A>C on the coding strand, the complement: RNF170 is on the minus strand). VCF-style: chr8-42887768-T-G. GRCh37 (hg19) VCF-style: chr8-42742911-T-G.
Other names: c.97A>C, p.Ser33Arg (NM_001160223.2, NM_001160224.2); c.-116+81A>C (NM_001160225.2); short protein forms S33R.
Identifiers: ClinVar variation 4706133 (VCV004706133.1).
Genomic context (GRCh38, chr8:42,887,768, plus strand): 5'-CTTTTGTCCTTAAATCTCACCTGAAAAGTGCATATACCAGGGTAGCAATCAAAGCGAAAC[T>G]GACCACAACTGCCACAAGTACTTGGTCGCTTACTCCTTCTATAACTGAATCATCATCCAG-3'
Protein context (NP_112216.3, residues 23-43): SDQVLVAVVV[Ser33Arg]FALIATLVYA